The following is an entry in ClinVar:

NM_017739.4(POMGNT1):c.116G>C (p.Cys39Ser)

Gene: POMGNT1 (protein O-linked mannose N-acetylglucosaminyltransferase 1 (beta 1,2-); minus strand). Cytogenetic location: 1p34.1.
Variant type: single nucleotide variant.
Coding change: c.116G>C on transcript NM_017739.4 (MANE Select); coding-DNA position 116, G replaced by C.
Protein change: p.Cys39Ser; replaces cysteine 39 with serine.
Molecular consequence: missense variant.
Genome position (GRCh38, 1-based): chr1:46,197,706, C>G on the plus strand (G>C on the coding strand, the complement: POMGNT1 is on the minus strand). VCF-style: chr1-46197706-C-G. GRCh37 (hg19) VCF-style: chr1-46663378-C-G.
Other names: c.116G>C, p.Cys39Ser (NM_001243766.2); short protein forms C39S.
Identifiers: ClinVar variation 1517021 (VCV001517021.5), dbSNP rs775392834, ClinGen allele CA340192576.

ClinVar aggregate classification (germline): Uncertain significance (1 of 4 stars; one submission).

Conditions:
Autosomal recessive limb-girdle muscular dystrophy type 2O. Also called: Limb-Girdle Muscular Dystrophy Type 3C; MUSCULAR DYSTROPHY-DYSTROGLYCANOPATHY (LIMB-GIRDLE), TYPE C, 3; MUSCULAR DYSTROPHY-DYSTROGLYCANOPATHY, LIMB-GIRDLE, POMGNT1-RELATED. Identifiers: Orphanet 206564, MedGen C3150417, MONDO:0013161, OMIM 613157.
Muscular dystrophy-dystroglycanopathy (congenital with impaired intellectual development), type B, 3. Also called: Muscular dystrophy-dystroglycanopathy (congenital with intellectual disability), type B3; MUSCULAR DYSTROPHY, CONGENITAL, POMGNT1-RELATED. Identifiers: MedGen C3150412, MONDO:0013155, OMIM 613151.

Allele frequency attached by ClinVar (database versions not stated): gnomAD exomes below 0.00001.
gnomAD v4.1: 2 of 1,614,116 alleles (0.00012%); highest among the groups gnomAD compares: Non-Finnish European, 0.00017%; no homozygotes.

Submission:

Labcorp Genetics (formerly Invitae), Labcorp
Classification: Uncertain significance for Autosomal recessive limb-girdle muscular dystrophy type 2O; Muscular dystrophy-dystroglycanopathy (congenital with impaired intellectual development), type B, 3. Last evaluated: 2021-09-24. Review status: criteria provided, single submitter. Criteria: Invitae Variant Classification Sherloc (09022015). Collection method: clinical testing. Allele origin: germline.
Comment: This sequence change replaces cysteine with serine at codon 39 of the POMGNT1 protein (p.Cys39Ser). The cysteine residue is highly conserved and there is a moderate physicochemical difference between cysteine and serine. This variant is not present in population databases (ExAC no frequency). This variant has not been reported in the literature in individuals with POMGNT1-related conditions. Advanced modeling of protein sequence and biophysical properties (such as structural, functional, and spatial information, amino acid conservation, physicochemical variation, residue mobility, and thermodynamic stability) performed at Invitae indicates that this missense variant is not expected to disrupt POMGNT1 protein function. In summary, the available evidence is currently insufficient to determine the role of this variant in disease. Therefore, it has been classified as a Variant of Uncertain Significance.